The following is an entry in ClinVar:

NM_000208.4(INSR):c.528A>C (p.Lys176Asn)

Gene: INSR (insulin receptor; minus strand). Cytogenetic location: 19p13.2.
Variant type: single nucleotide variant.
Coding change: c.528A>C on transcript NM_000208.4 (MANE Select); coding-DNA position 528, A replaced by C.
Protein change: p.Lys176Asn; replaces lysine 176 with asparagine.
Molecular consequence: missense variant.
Genome position (GRCh38, 1-based): chr19:7,267,469, T>G on the plus strand (A>C on the coding strand, the complement: INSR is on the minus strand). VCF-style: chr19-7267469-T-G. GRCh37 (hg19) VCF-style: chr19-7267480-T-G.
Other names: c.528A>C, p.Lys176Asn (NM_001079817.3); short protein forms K176N.
Identifiers: ClinVar variation 3368263 (VCV003368263.1).

ClinVar aggregate classification (germline): Uncertain significance (1 of 4 stars; one submission).

Submission:

GeneDx
Classification: Uncertain significance. Last evaluated: 2024-01-29. Review status: criteria provided, single submitter. Criteria: GeneDx Variant Classification Process June 2021. Collection method: clinical testing. Allele origin: germline. Affected: yes.
Comment: Not observed at significant frequency in large population cohorts (gnomAD); In silico analysis supports that this missense variant does not alter protein structure/function; Has not been previously published as pathogenic or benign to our knowledge